The following is an entry in ClinVar:

NM_032119.4(ADGRV1):c.5529T>A (p.Ser1843Arg)

Gene: ADGRV1 (adhesion G protein-coupled receptor V1; plus strand). Cytogenetic location: 5q14.3.
Variant type: single nucleotide variant.
Coding change: c.5529T>A on transcript NM_032119.4 (MANE Select); coding-DNA position 5529, T replaced by A.
Protein change: p.Ser1843Arg; replaces serine 1843 with arginine.
Molecular consequence: missense variant. On other transcripts: non-coding transcript variant (1).
Genome position (GRCh38, 1-based): chr5:90,681,319, T>A. VCF-style: chr5-90681319-T-A. GRCh37 (hg19) VCF-style: chr5-89977136-T-A.
Other names: short protein forms S1843R.
Identifiers: ClinVar variation 1954093 (VCV001954093.5), dbSNP rs2530796096, ClinGen allele CA360412141.

ClinVar aggregate classification (germline): Uncertain significance (1 of 4 stars; one submission).

Submission:

Labcorp Genetics (formerly Invitae), Labcorp
Classification: Uncertain significance. Last evaluated: 2022-07-19. Review status: criteria provided, single submitter. Criteria: Invitae Variant Classification Sherloc (09022015). Collection method: clinical testing. Allele origin: germline.
Comment: In summary, the available evidence is currently insufficient to determine the role of this variant in disease. Therefore, it has been classified as a Variant of Uncertain Significance. Algorithms developed to predict the effect of missense changes on protein structure and function are either unavailable or do not agree on the potential impact of this missense change (SIFT: "Deleterious"; PolyPhen-2: "Probably Damaging"; Align-GVGD: "Class C0"). This variant has not been reported in the literature in individuals affected with ADGRV1-related conditions. This variant is not present in population databases (gnomAD no frequency). This sequence change replaces serine, which is neutral and polar, with arginine, which is basic and polar, at codon 1843 of the ADGRV1 protein (p.Ser1843Arg).